The following is an entry in ClinVar:

ClinVar aggregate classification (germline): Uncertain significance (1 of 4 stars; one submission).

Conditions:
ERBB4-related disorder. Also called: ERBB4-related condition.

Allele frequency attached by ClinVar (database versions not stated): TOPMed below 0.00001; gnomAD 0.00001.
gnomAD v4.1: 7 of 1,614,058 alleles (0.00043%); highest among the groups gnomAD compares: Non-Finnish European, 0.00051%; no homozygotes.

Submission:

PreventionGenetics, part of Exact Sciences
Classification: Uncertain significance for ERBB4-related condition. Last evaluated: 2023-03-02. Review status: criteria provided, single submitter. Criteria: ACMG Guidelines, 2015. Collection method: clinical testing. Allele origin: germline.
Comment: The ERBB4 c.202A>C variant is predicted to result in the amino acid substitution p.Ile68Leu. To our knowledge, this variant has not been reported in the literature. This variant is reported in 0.00088% of alleles in individuals of European (Non-Finnish) descent in gnomAD. At this time, the clinical significance of this variant is uncertain due to the absence of conclusive functional and genetic evidence.

NM_005235.3(ERBB4):c.202A>C (p.Ile68Leu)

Gene: ERBB4 (erb-b2 receptor tyrosine kinase 4; minus strand). Cytogenetic location: 2q34.
Variant type: single nucleotide variant.
Coding change: c.202A>C on transcript NM_005235.3 (MANE Select); coding-DNA position 202, A replaced by C.
Protein change: p.Ile68Leu; replaces isoleucine 68 with leucine.
Molecular consequence: missense variant.
Genome position (GRCh38, 1-based): chr2:212,124,784, T>G on the plus strand (A>C on the coding strand, the complement: ERBB4 is on the minus strand). VCF-style: chr2-212124784-T-G. GRCh37 (hg19) VCF-style: chr2-212989509-T-G.
Other names: c.202A>C, p.Ile68Leu (NM_001042599.2); short protein forms I68L.
Identifiers: ClinVar variation 2633549 (VCV002633549.1), dbSNP rs756903297, ClinGen allele CA350783623.